The following is an entry in ClinVar:

NM_001034853.2(RPGR):c.2489AGG[2] (p.Glu832del)

Gene: RPGR (retinitis pigmentosa GTPase regulator; minus strand). Cytogenetic location: Xp11.4.
Variant type: Microsatellite.
Coding change: c.2489AGG[2] on transcript NM_001034853.2 (MANE Select); two copies in a row of the 3-base unit AGG starting at c.2489; the reference has three copies in a row; one copy, 3 bases deleted; also written c.2495_2497del.
Protein change: p.Glu832del; deletes glutamic acid 832.
Molecular consequence: inframe deletion. On other transcripts: intron variant (8).
Genome position (GRCh38, 1-based): chrX:38,286,502-38,286,504, CCT deleted on the plus strand (AGG on the coding strand, the reverse complement: RPGR is on the minus strand); deleting any 3 consecutive bases within chrX:38,286,502-38,286,511 gives the same sequence; the position shown is the placement nearest the transcript's 3' end. VCF-style (leftmost placement, unchanged base first): chrX-38286501-CCCT-C. GRCh37 (hg19) VCF-style: chrX-38145754-CCCT-C.
Other names: c.2495_2497del (NM_001034853.2); c.1569+4449AGG[2] (NM_001367249.1, NM_001367250.1); c.1902+584AGG[2] (NM_001367245.1); c.1386+4449AGG[2] (NM_001367251.1); c.1719+584AGG[2] (NM_001367246.1); c.1572+4449AGG[2] (NM_001367247.1); c.1905+584AGG[2] (NM_000328.3); c.1602+4449AGG[2] (NM_001367248.1); short protein forms E832del.
Identifiers: ClinVar variation 2061340 (VCV002061340.5), dbSNP rs765319100, ClinGen allele CA10385279.

ClinVar aggregate classification (germline): Conflicting classifications of pathogenicity. Review status: criteria provided, conflicting classifications (1 of 4 stars). 3 submissions from 3 submitters: Uncertain significance (2); Likely benign (1). Last evaluated 2024-11-18.

Conditions:
Macular degeneration, X-linked atrophic. Identifiers: Orphanet 1872, MedGen C3151784, MONDO:0010443, OMIM 300834.
X-linked cone-rod dystrophy 1 (CORDX1). Identifiers: Orphanet 1872, MedGen C1844776, MONDO:0010566, OMIM 304020.
Retinitis pigmentosa 3. Also called: CHOROIDORETINAL DEGENERATION WITH RETINAL REFLEX IN HETEROZYGOUS WOMEN. Identifiers: Orphanet 791, MedGen C1845667, MONDO:0010227, OMIM 300029.
Retinitis pigmentosa, X-linked, and sinorespiratory infections, with or without deafness (RPSRDF). Identifiers: Orphanet 247522, MedGen C2749137, OMIM 300455.
Primary ciliary dyskinesia. Also called: Ciliary dyskinesia. Identifiers: Orphanet 244, MedGen C0008780, MONDO:0016575, HP:0012265.

Submissions (3):

Labcorp Genetics (formerly Invitae), Labcorp
Classification: Uncertain significance for Primary ciliary dyskinesia. Last evaluated: 2024-11-18. Review status: criteria provided, single submitter. Criteria: Invitae Variant Classification Sherloc (09022015). Collection method: clinical testing. Allele origin: germline.
Comment: This variant, c.2495_2497del, results in the deletion of 1 amino acid(s) of the RPGR (ORF15) protein (p.Glu832del), but otherwise preserves the integrity of the reading frame. The frequency data for this variant in the population databases is considered unreliable, as metrics indicate poor data quality at this position in the gnomAD database. This variant has not been reported in the literature in individuals affected with RPGR (ORF15)-related conditions. Experimental studies and prediction algorithms are not available or were not evaluated, and the functional significance of this variant is currently unknown. In summary, the available evidence is currently insufficient to determine the role of this variant in disease. Therefore, it has been classified as a Variant of Uncertain Significance.

Fulgent Genetics
Classification: Uncertain significance for Retinitis pigmentosa 3; Retinitis pigmentosa, X-linked, and sinorespiratory infections, with or without deafness; Macular degeneration, X-linked atrophic; X-linked cone-rod dystrophy 1. Last evaluated: 2024-03-12. Review status: criteria provided, single submitter. Criteria: ACMG Guidelines, 2015. Collection method: clinical testing. Allele origin: germline.

Blueprint Genetics
Classification: Likely benign. Last evaluated: 2022-08-15. Review status: criteria provided, single submitter. Criteria: ACMG Guidelines, 2015. Collection method: clinical testing. Allele origin: germline.